The following is an entry in ClinVar:

ClinVar aggregate classification (germline): Uncertain significance (1 of 4 stars; one submission).

Conditions:
Familial adenomatous polyposis 1 (FAP1). Also called: FAMILIAL ADENOMATOUS POLYPOSIS 1, ATTENUATED; POLYPOSIS, ADENOMATOUS INTESTINAL. Identifiers: MedGen C2713442, MONDO:0021056, OMIM 175100. Disease mechanism: loss of function.

Submission:

Labcorp Genetics (formerly Invitae), Labcorp
Classification: Uncertain significance for Familial adenomatous polyposis 1. Last evaluated: 2021-08-23. Review status: criteria provided, single submitter. Criteria: Invitae Variant Classification Sherloc (09022015). Collection method: clinical testing. Allele origin: germline.
Comment: In summary, the available evidence is currently insufficient to determine the role of this variant in disease. Therefore, it has been classified as a Variant of Uncertain Significance. This variant is not present in population databases (ExAC no frequency). This sequence change replaces tyrosine with phenylalanine at codon 416 of the APC protein (p.Tyr416Phe). The tyrosine residue is highly conserved and there is a small physicochemical difference between tyrosine and phenylalanine. Algorithms developed to predict the effect of missense changes on protein structure and function (SIFT, PolyPhen-2, Align-GVGD) all suggest that this variant is likely to be tolerated. This variant has not been reported in the literature in individuals affected with APC-related conditions.

NM_000038.6(APC):c.1247A>T (p.Tyr416Phe)

Gene: APC (APC regulator of Wnt signaling pathway; plus strand). Cytogenetic location: 5q22.2.
Variant type: single nucleotide variant.
Coding change: c.1247A>T on transcript NM_000038.6 (MANE Select); coding-DNA position 1247, A replaced by T.
Protein change: p.Tyr416Phe; replaces tyrosine 416 with phenylalanine.
Molecular consequence: missense variant.
Genome position (GRCh38, 1-based): chr5:112,819,279, A>T. VCF-style: chr5-112819279-A-T. GRCh37 (hg19) VCF-style: chr5-112154976-A-T.
Other names: c.1247A>T, p.Tyr416Phe (NM_001127510.3, NM_001354895.2, NM_001354896.2); c.1193A>T, p.Tyr398Phe (NM_001127511.3); c.1277A>T, p.Tyr426Phe (NM_001354897.2); c.1172A>T, p.Tyr391Phe (NM_001354898.2); c.1163A>T, p.Tyr388Phe (NM_001354899.2); c.1070A>T, p.Tyr357Phe (NM_001354900.2, NM_001354901.2); c.974A>T, p.Tyr325Phe (NM_001354902.2); c.944A>T, p.Tyr315Phe (NM_001354903.2); and 3 more; short protein forms Y256F, Y315F, Y398F, Y416F, Y426F, Y290F, Y325F, Y357F.
Identifiers: ClinVar variation 1470840 (VCV001470840.6), dbSNP rs2149783159, ClinGen allele CA16024030.